The following is an entry in ClinVar:

ClinVar aggregate classification (germline): Uncertain significance. Review status: criteria provided, multiple submitters, no conflicts (2 of 4 stars). 2 submissions from 2 submitters: Uncertain significance (2). Last evaluated 2025-08-01.

Conditions:
Hypertrophic cardiomyopathy. Also called: HYPERTROPHIC MYOCARDIOPATHY. Identifiers: Orphanet 217569, MedGen C0007194, MeSH D002312, MONDO:0005045, HP:0001639.
Cardiovascular phenotype. Identifiers: MedGen CN230736.

Allele frequency attached by ClinVar (database versions not stated): ExAC 0.00001; gnomAD 0.00001; gnomAD exomes 0.00001; TOPMed 0.00002.
gnomAD v4.1: 10 of 1,607,478 alleles (0.00062%); highest among the groups gnomAD compares: African/African-American, 0.0027%; no homozygotes.

Submissions (2):

Ambry Genetics
Classification: Uncertain significance for Cardiovascular phenotype. Last evaluated: 2025-08-01. Review status: criteria provided, single submitter. Criteria: Ambry Variant Classification Scheme 2023. Collection method: clinical testing. Allele origin: germline.

Labcorp Genetics (formerly Invitae), Labcorp
Classification: Uncertain significance for Hypertrophic cardiomyopathy. Last evaluated: 2025-04-27. Review status: criteria provided, single submitter. Criteria: Invitae Variant Classification Sherloc (09022015). Collection method: clinical testing. Allele origin: germline.
Comment: This sequence change replaces glycine, which is neutral and non-polar, with serine, which is neutral and polar, at codon 686 of the JPH2 protein (p.Gly686Ser). The frequency data for this variant in the population databases is considered unreliable, as metrics indicate poor data quality at this position in the gnomAD database. This variant has not been reported in the literature in individuals affected with JPH2-related conditions. ClinVar contains an entry for this variant (Variation ID: 1785137). An algorithm developed to predict the effect of missense changes on protein structure and function (PolyPhen-2) suggests that this variant is likely to be disruptive. In summary, the available evidence is currently insufficient to determine the role of this variant in disease. Therefore, it has been classified as a Variant of Uncertain Significance.

NM_020433.5(JPH2):c.2056G>A (p.Gly686Ser)

Gene: JPH2 (junctophilin 2; minus strand). Cytogenetic location: 20q13.12.
Variant type: single nucleotide variant.
Coding change: c.2056G>A on transcript NM_020433.5 (MANE Select); coding-DNA position 2056, G replaced by A.
Protein change: p.Gly686Ser; replaces glycine 686 with serine.
Molecular consequence: missense variant.
Genome position (GRCh38, 1-based): chr20:44,114,831, C>T on the plus strand (G>A on the coding strand, the complement: JPH2 is on the minus strand). VCF-style: chr20-44114831-C-T. GRCh37 (hg19) VCF-style: chr20-42743471-C-T.
Other names: short protein forms G686S.
Identifiers: ClinVar variation 1785137 (VCV001785137.4), dbSNP rs778774256, ClinGen allele CA9868514.